The following is an entry in ClinVar:

ClinVar aggregate classification (germline): Likely benign. Review status: criteria provided, multiple submitters, no conflicts (2 of 4 stars). 3 submissions from 3 submitters: Likely benign (3). Last evaluated 2026-02-11.

Conditions:
Inborn genetic diseases. Identifiers: MedGen C0950123, MeSH D030342.
RAI1-related disorder. Also called: RAI1-related condition.

Allele frequency attached by ClinVar (database versions not stated): gnomAD 0.00002 and 0.00003; gnomAD exomes 0.00002; TOPMed 0.00005; 1000 Genomes Project 30x 0.00016; 1000 Genomes Project 0.00020; ExAC 0.00002.
gnomAD v4.1: 37 of 1,614,078 alleles (0.0023%); highest among the groups gnomAD compares: East Asian, 0.045%; no homozygotes.

Submissions (3):

PreventionGenetics, part of Exact Sciences
Classification: Likely benign for RAI1-related condition. Last evaluated: 2026-02-11. Review status: criteria provided, single submitter. Criteria: ACMG Guidelines, 2015. Collection method: clinical testing. Allele origin: germline.
Comment: This variant is classified as likely benign based on ACMG/AMP sequence variant interpretation guidelines (Richards et al. 2015 PMID: 25741868, with internal and published modifications).

Ambry Genetics
Classification: Likely benign for Inborn genetic diseases. Last evaluated: 2025-03-22. Review status: criteria provided, single submitter. Criteria: Ambry Variant Classification Scheme 2023. Collection method: clinical testing. Allele origin: germline.

Labcorp Genetics (formerly Invitae), Labcorp
Classification: Likely benign. Last evaluated: 2022-12-22. Review status: criteria provided, single submitter. Criteria: Invitae Variant Classification Sherloc (09022015). Collection method: clinical testing. Allele origin: germline.

NM_030665.4(RAI1):c.4625G>A (p.Arg1542Gln)

Gene: RAI1 (retinoic acid induced 1; plus strand). Cytogenetic location: 17p11.2.
Variant type: single nucleotide variant.
Coding change: c.4625G>A on transcript NM_030665.4 (MANE Select); coding-DNA position 4625, G replaced by A.
Protein change: p.Arg1542Gln; replaces arginine 1542 with glutamine.
Molecular consequence: missense variant.
Genome position (GRCh38, 1-based): chr17:17,797,573, G>A. VCF-style: chr17-17797573-G-A. GRCh37 (hg19) VCF-style: chr17-17700887-G-A.
Other names: c.4625G>A (NM_030665.3); short protein forms R1542Q.
Identifiers: ClinVar variation 1386116 (VCV001386116.12), dbSNP rs184604492, ClinGen allele CA8418995.